The following is an entry in ClinVar:

ClinVar aggregate classification (germline): Uncertain significance (1 of 4 stars; one submission).

Submission:

GeneDx
Classification: Uncertain significance. Last evaluated: 2024-07-03. Review status: criteria provided, single submitter. Criteria: GeneDx Variant Classification Process June 2021. Collection method: clinical testing. Allele origin: germline. Affected: yes.
Comment: Not observed at significant frequency in large population cohorts (gnomAD); In silico analysis supports that this missense variant has a deleterious effect on protein structure/function; Has not been previously published as pathogenic or benign to our knowledge

NM_001330360.2(POLA1):c.3002A>G (p.Asn1001Ser)

Gene: POLA1 (DNA polymerase alpha 1, catalytic subunit; plus strand). Cytogenetic location: Xp22.11.
Variant type: single nucleotide variant.
Coding change: c.3002A>G on transcript NM_001330360.2 (MANE Select); coding-DNA position 3002, A replaced by G.
Protein change: p.Asn1001Ser; replaces asparagine 1001 with serine.
Molecular consequence: missense variant. On other transcripts: non-coding transcript variant (2).
Genome position (GRCh38, 1-based): chrX:24,810,712, A>G. VCF-style: chrX-24810712-A-G. GRCh37 (hg19) VCF-style: chrX-24828829-A-G.
Other names: c.2927A>G, p.Asn976Ser (NM_001378303.1); c.2984A>G, p.Asn995Ser (NM_016937.4); short protein forms N995S, N976S, N1001S.
Identifiers: ClinVar variation 3393872 (VCV003393872.1).